The following is an entry in ClinVar:

NM_004525.3(LRP2):c.2198T>C (p.Met733Thr)

Gene: LRP2 (LDL receptor related protein 2; minus strand). Cytogenetic location: 2q31.1.
Variant type: single nucleotide variant.
Coding change: c.2198T>C on transcript NM_004525.3 (MANE Select); coding-DNA position 2198, T replaced by C.
Protein change: p.Met733Thr; replaces methionine 733 with threonine.
Molecular consequence: missense variant.
Genome position (GRCh38, 1-based): chr2:169,271,026, A>G on the plus strand (T>C on the coding strand, the complement: LRP2 is on the minus strand). VCF-style: chr2-169271026-A-G. GRCh37 (hg19) VCF-style: chr2-170127536-A-G.
Other names: short protein forms M733T.
Identifiers: ClinVar variation 3616566 (VCV003616566.2).

ClinVar aggregate classification (germline): Uncertain significance (1 of 4 stars; one submission).

gnomAD v4.1: 11 of 1,613,216 alleles (0.00068%); highest among the groups gnomAD compares: Middle Eastern, 0.016%; no homozygotes.

Submission:

Labcorp Genetics (formerly Invitae), Labcorp
Classification: Uncertain significance. Last evaluated: 2025-10-20. Review status: criteria provided, single submitter. Criteria: Invitae Variant Classification Sherloc (09022015). Collection method: clinical testing. Allele origin: germline.
Comment: This sequence change replaces methionine, which is neutral and non-polar, with threonine, which is neutral and polar, at codon 733 of the LRP2 protein (p.Met733Thr). This variant is not present in population databases (gnomAD no frequency). This variant has not been reported in the literature in individuals affected with LRP2-related conditions. ClinVar contains an entry for this variant (Variation ID: 3616566). Invitae Evidence Modeling of protein sequence and biophysical properties (such as structural, functional, and spatial information, amino acid conservation, physicochemical variation, residue mobility, and thermodynamic stability) indicates that this missense variant is not expected to disrupt LRP2 protein function with a negative predictive value of 80%. In summary, the available evidence is currently insufficient to determine the role of this variant in disease. Therefore, it has been classified as a Variant of Uncertain Significance.